The following is an entry in ClinVar:

NM_213599.3(ANO5):c.952G>C (p.Ala318Pro)

Gene: ANO5 (anoctamin 5; plus strand). Cytogenetic location: 11p14.3.
Variant type: single nucleotide variant.
Coding change: c.952G>C on transcript NM_213599.3 (MANE Select); coding-DNA position 952, G replaced by C.
Protein change: p.Ala318Pro; replaces alanine 318 with proline.
Molecular consequence: missense variant.
Genome position (GRCh38, 1-based): chr11:22,250,310, G>C. VCF-style: chr11-22250310-G-C. GRCh37 (hg19) VCF-style: chr11-22271856-G-C.
Other names: c.949G>C, p.Ala317Pro (NM_001142649.2); short protein forms A317P, A318P.
Identifiers: ClinVar variation 1327991 (VCV001327991.1), dbSNP rs2133702263, ClinGen allele CA379920798.

ClinVar aggregate classification (germline): Likely pathogenic (1 of 4 stars; one submission).

Conditions:
Autosomal recessive limb-girdle muscular dystrophy type 2L (LGMDR12). Also called: Limb-girdle muscular dystrophy, type 2L; MUSCULAR DYSTROPHY, LIMB-GIRDLE, AUTOSOMAL RECESSIVE 12; Limb-Girdle Muscular Dystrophy R12 Anoctamin-5-Related (LGMD-R12). Identifiers: Orphanet 206549, MedGen C1969785, MONDO:0012652, OMIM 611307.

Submission:

Institute for Molecular Bioscience, The University of Queensland
Classification: Likely pathogenic for Autosomal recessive limb-girdle muscular dystrophy type 2L. Last evaluated: 2021-12-02. Review status: criteria provided, single submitter. Criteria: ACMG Guidelines 2015. Collection method: clinical testing. Allele origin: germline. Inheritance: Other. Affected: yes. Observed: 1 variant allele.
Comment: This variant was identified alongside another ANO5 variant (NM_213599.3 c.191dupA p.Asn64fs) - we suggest it is a variant of uncertain significance (PM2, PM3, PP3) - but together might be pathogenic (compound heterozygous). PM2= Absent from controls (or at extremely low frequency if recessive) in Exome Sequencing Project, 1000 Genomes or ExAC, PM3- For recessive disorders, detected in trans with a pathogenic variant, PP3= Multiple lines of computational evidence support a deleterious effect on the gene or gene product (conservation, evolutionary, splicing impact, etc).